The following is an entry in ClinVar:

ClinVar aggregate classification (germline): Likely pathogenic (1 of 4 stars; one submission).

Conditions:
Autosomal dominant Alport syndrome (ATS3A). Also called: Alport syndrome dominant type; Renal failure and sensorineural hearing loss; ALPORT SYNDROME 3A, AUTOSOMAL DOMINANT. Identifiers: Orphanet 63, Orphanet 88918, MedGen C5882663, MONDO:0007086, OMIM 104200.

Submission:

Centre de Génétique Humaine, Institut de Pathologie Et de Génétique
Classification: Likely pathogenic for Autosomal dominant Alport syndrome. Last evaluated: 2026-05-07. Review status: criteria provided, single submitter. Criteria: ACMG Guidelines, 2015. Collection method: clinical testing. Allele origin: maternal. Inheritance: Autosomal dominant inheritance. Affected: yes. Observed: 1 variant allele, 1 heterozygote. Segregation with disease observed.
Comment: This missense variant involves a highly conserved glycine located in a ‘Gly-X-Y’ motif in collagenous region, which is characteristic of the pathogenic variants identified in the COL4A4 gene (PM1,PP2). This variant is rare: absent in gnomAD v4.1.0 database (PM2). In silico analysis supports that this missense variant has a deleterious effect (PP3)

NM_000092.5(COL4A4):c.2455G>C (p.Gly819Arg)

Gene: COL4A4 (collagen type IV alpha 4 chain; minus strand). Cytogenetic location: 2q36.3.
Variant type: single nucleotide variant.
Coding change: c.2455G>C on transcript NM_000092.5 (MANE Select); coding-DNA position 2455, G replaced by C.
Protein change: p.Gly819Arg; replaces glycine 819 with arginine.
Molecular consequence: missense variant.
Genome position (GRCh38, 1-based): chr2:227,057,529, C>G on the plus strand (G>C on the coding strand, the complement: COL4A4 is on the minus strand). VCF-style: chr2-227057529-C-G. GRCh37 (hg19) VCF-style: chr2-227922245-C-G.
Other names: p.Gly819Arg; short protein forms G819R.
Identifiers: ClinVar variation 4884694 (VCV004884694.1).
Genomic context (GRCh38, chr2:227,057,529, plus strand): 5'-GTTGCCCTGGTATCCCTGGAGCACCTCTTTCACAGGAATGGCCAGGTGGACCTGGGACAC[C>G]TGGAAACCCAGCATGTCCCTCTCTGCCTTTGGGACCTTTGAGACCTAGGAATCCAGGAAT-3'
Protein context (NP_000083.3, residues 809-829): KGREGHAGFP[Gly819Arg]VPGPPGHSCE